The following is an entry in ClinVar:

ClinVar aggregate classification (germline): Uncertain significance (1 of 4 stars; one submission).

Conditions:
Inborn genetic diseases. Identifiers: MedGen C0950123, MeSH D030342.

Submission:

Ambry Genetics
Classification: Uncertain significance for Inborn genetic diseases. Last evaluated: 2025-04-25. Review status: criteria provided, single submitter. Criteria: Ambry Variant Classification Scheme 2023. Collection method: clinical testing. Allele origin: germline.
Comment: The p.I968L variant (also known as c.2902A>T), located in coding exon 1 of the SAMD9 gene, results from an A to T substitution at nucleotide position 2902. The isoleucine at codon 968 is replaced by leucine, an amino acid with highly similar properties. This amino acid position is conserved. In addition, this alteration is predicted to be tolerated by in silico analysis. Based on the available evidence, the clinical significance of this variant remains unclear.

NM_017654.4(SAMD9):c.2902A>T (p.Ile968Leu)

Gene: SAMD9 (sterile alpha motif domain containing 9; minus strand). Cytogenetic location: 7q21.2.
Variant type: single nucleotide variant.
Coding change: c.2902A>T on transcript NM_017654.4 (MANE Select); coding-DNA position 2902, A replaced by T.
Protein change: p.Ile968Leu; replaces isoleucine 968 with leucine.
Molecular consequence: missense variant.
Genome position (GRCh38, 1-based): chr7:93,103,196, T>A on the plus strand (A>T on the coding strand, the complement: SAMD9 is on the minus strand). VCF-style: chr7-93103196-T-A. GRCh37 (hg19) VCF-style: chr7-92732509-T-A.
Other names: c.2902A>T, p.Ile968Leu (NM_001193307.2); short protein forms I968L.
Identifiers: ClinVar variation 3949584 (VCV003949584.1).
Genomic context (GRCh38, chr7:93,103,196, plus strand): 5'-TCAAAGAGTGAATGATGCGTACTCCACAGTAGTTCCCACATTCGATGACCTCTGTTTTTA[T>A]CAGAATTGTAGAGTAGGTGCCCATCTTGTCTTCAAATTTTTCTGTCCCCCAGAAAGCCTT-3'
Protein context (NP_060124.2, residues 958-978): DKMGTYSTIL[Ile968Leu]KTEVIECGNY